The following continues an entry in ClinVar:

NM_000257.4(MYH7):c.5287G>A (p.Ala1763Thr)

ClinVar aggregate classification (germline): Uncertain significance. Uncertain significance (24).

Submissions 7 to 24 of 24:

Victorian Clinical Genetics Services, Murdoch Childrens Research Institute
Classification: Uncertain significance for Dilated cardiomyopathy 1S. Last evaluated: 2024-12-23. Review status: criteria provided, single submitter. Criteria: ACMG Guidelines, 2015. Collection method: clinical testing. Allele origin: germline. Affected: yes.
Comment: This variant is classified as VUS-3B. Evidence in support of pathogenic classification: Variant is present in gnomAD <0.01 (v4: 181 heterozygote(s), 0 homozygote(s)); Missense variant predicted to be damaging by in silico tool(s) or highly conserved with a major amino acid change. Additional information: Variant is predicted to result in a missense amino acid change from alanine to threonine; This variant is heterozygous; This gene is associated with both recessive and dominant disease. Disease associated with this gene usually has autosomal dominant inheritance; however, a recessive inheritance pattern has been observed in severe cases (OMIM); Alternative amino acid change(s) at the same position are present in gnomAD (highest allele count: v4: 6 heterozygote(s), 0 homozygote(s)); Previous evidence of pathogenicity for this variant is inconclusive. This variant has been classified as a VUS by clinical laboratories in ClinVar. This variant has also been reported in the literature in individuals with sudden death or hypertrophic/dilated cardiomyopathy. At least one of these reported individuals had an alternative pathogenic variant (PMIDs: 26468400, 27600940, 28408708, 28807990); No published functional evidence has been identified for this variant; Another missense variant(s) comparable to the one identified in this case has inconclusive previous evidence for pathogenicity. p.(Ala1763Ser) has been classified as a VUS by a diagnostic laboratory in ClinVar; Variant is located in the annotated myosin tail domain (DECIPHER); The mechanism of disease for this gene is not clearly established; however, missense variants have been proposed to act in a dominant negative manner (PMID: 24714796); The condition associated with this gene has incomplete penetrance (PMID: 29300372).

Blueprint Genetics
Classification: Uncertain significance. Last evaluated: 2024-11-22. Review status: criteria provided, single submitter. Criteria: ACMG Guidelines, 2015. Collection method: clinical testing. Allele origin: germline.

Revvity Omics, Revvity
Classification: Uncertain significance. Last evaluated: 2024-11-05. Review status: criteria provided, single submitter. Criteria: ACMG Guidelines, 2015. Collection method: clinical testing. Allele origin: germline.

All of Us Research Program, National Institutes of Health
Classification: Uncertain significance for Cardiomyopathy. Last evaluated: 2024-09-17. Review status: criteria provided, single submitter. Criteria: ACMG Guidelines, 2015. Collection method: clinical testing. Allele origin: germline. Inheritance: Autosomal dominant inheritance. Observed: 29 variant alleles, 29 heterozygotes.
Comment: This missense variant replaces alanine with threonine at codon 1763 of the MYH7 protein. Computational prediction suggests that this variant may have deleterious impact on protein structure and function (internally defined REVEL score threshold >= 0.7, PMID: 27666373). To our knowledge, functional studies have not been reported for this variant. This variant has been reported in multiple individuals affected with hypertrophic cardiomyopathy (PMID: 24111713, 24793961, 25611685, 27532257, 27600940, 28790153), in one individual affected with dilated cardiomyopathy (PMID: 26468400), and in an individual affected with sudden unexplained death (PMID: 28807990). One individual affected with hypertrophic cardiomyopathy carried a pathogenic variant in a different gene in addition to this variant (PMID: 27600940). This variant has been identified in 21/282898 chromosomes in the general population by the Genome Aggregation Database (gnomAD). The available evidence is insufficient to determine the role of this variant in disease conclusively. Therefore, this variant is classified as a Variant of Uncertain Significance.

This study involves interpretation of variants in research participants for the purpose of population health screening. Participant phenotype was not available at the time of variant classification. Additional details can be found in publication PMID: 35346344, PMCID: PMC8962531

CeGaT Center for Human Genetics Tuebingen
Classification: Uncertain significance. Last evaluated: 2024-02-01. Review status: criteria provided, single submitter. Criteria: CeGaT Center For Human Genetics Tuebingen Variant Classification Criteria Version 2. Collection method: clinical testing. Allele origin: germline. Affected: yes. Observed: 1 variant allele.
Comment: MYH7: PM2, PP3

Labcorp Genetics (formerly Invitae), Labcorp
Classification: Uncertain significance for Hypertrophic cardiomyopathy. Last evaluated: 2024-01-28. Review status: criteria provided, single submitter. Criteria: Invitae Variant Classification Sherloc (09022015). Collection method: clinical testing. Allele origin: germline.
Comment: This sequence change replaces alanine, which is neutral and non-polar, with threonine, which is neutral and polar, at codon 1763 of the MYH7 protein (p.Ala1763Thr). This variant is present in population databases (rs727504355, gnomAD 0.01%). This missense change has been observed in individual(s) with hypertrophic cardiomyopathy, dilated cardiomyopathy or sudden death (PMID: 24111713, 24793961, 25611685, 26468400, 27532257, 27600940, 28790153, 28807990). ClinVar contains an entry for this variant (Variation ID: 177846). Advanced modeling of protein sequence and biophysical properties (such as structural, functional, and spatial information, amino acid conservation, physicochemical variation, residue mobility, and thermodynamic stability) performed at Invitae indicates that this missense variant is expected to disrupt MYH7 protein function with a positive predictive value of 95%. In summary, the available evidence is currently insufficient to determine the role of this variant in disease. Therefore, it has been classified as a Variant of Uncertain Significance.

CHEO Genetics Diagnostic Laboratory, Children's Hospital of Eastern Ontario
Classification: Uncertain significance for Cardiomyopathy. Last evaluated: 2023-06-06. Review status: criteria provided, single submitter. Criteria: ACMG Guidelines, 2015. Collection method: clinical testing. Allele origin: germline.

Laboratory for Molecular Medicine, Mass General Brigham Personalized Medicine
Classification: Uncertain significance for Hypertrophic cardiomyopathy. Last evaluated: 2022-06-30. Review status: criteria provided, single submitter. Criteria: ACMG Guidelines, 2015. Collection method: clinical testing. Allele origin: germline.
Comment: The p.Ala1763Thr variant in MYH7 has been reported in 1 infant with HCM, who also carried a pathogenic variant in MYBC3, and 6 individuals with cardiomyopathy (5 with HCM, and 1 with DCM: Berge 2014, Bos 2014, Alfares 2015, Walsh 2017, LMM data). One of the individuals with HCM carried an additional pathogenic variant in MYH7 sufficient to explain their disease. This variant has also been identified in 14/126724 European chromosomes by the Genome Aggregation Database (gnomAD; dbSNP rs727504355). This variant was predicted to be pathogenic using a computational tool clinically validated by our laboratory. This tool's pathogenic prediction is estimated to be correct 94% of the time (Jordan 2011). In summary, while there is some suspicion for a pathogenic role, the clinical significance of the p.Ala1763Thr variant is uncertain. ACMG/AMP criteria applied: BS1_P.

Fulgent Genetics
Classification: Uncertain significance for MYH7-related skeletal myopathy; Myosin storage myopathy; Hypertrophic cardiomyopathy 1; Myopathy, myosin storage, autosomal recessive; Congenital myopathy 4A, autosomal dominant; Dilated cardiomyopathy 1S. Last evaluated: 2022-04-18. Review status: criteria provided, single submitter. Criteria: ACMG Guidelines, 2015. Collection method: clinical testing. Allele origin: unknown.

Agnes Ginges Centre for Molecular Cardiology, Centenary Institute
Classification: Uncertain significance for Hypertrophic cardiomyopathy 1. Last evaluated: 2018-11-27. Review status: criteria provided, single submitter. Criteria: ACMG Guidelines, 2015. Collection method: research. Allele origin: germline. Inheritance: Autosomal dominant inheritance. Affected: yes.
Comment: The Ala1763Thr variant has been previously reported in 4 SUD cases (Dewar LJ et al., 2017), 3 DCM cases (Broch K, et al., 2018; LMM, Pers. Comm.; Phosphorus inc, ClinVar SCV000679791), 1 LVNC case (Blueprint, ClinVar SCV000264098), 3 myopathy cases (Phosphorus inc, ClinVar SCV000679793-5) and 7 HCM cases (Walsh et al., 2017; Cecconi M, et al., 2016; Bos JM, et al., 2014; Berge & Leren, 2014; Invitae, ClinVar SCV000546187; Phosphorus inc, ClinVar SCV000679792). It is present at an elevated frequency of 0.0000685 in the Genome Aggregation Database. The MYH7 Ala1736Thr variant occurs in a conserved region, and in silico tools (SIFT, PolyPhen2, MutationTaster and CADD) support a damaging role for this variant. Based on the adapted ACMG guidelines (Kelly MA, et al., 2018), this variant is not rare in the general population and therefore probands cannot be counted as evidence. In silico tools predict it to deleterious (PP3), therefore we classify MYH7 Ala1763Thr as a variant of 'uncertain significance'.

Center for Human Genetics, University of Leuven
Classification: Uncertain significance for Hypertrophic cardiomyopathy. Last evaluated: 2018-10-31. Review status: criteria provided, single submitter. Criteria: ACMG Guidelines, 2015. Collection method: clinical testing. Allele origin: germline. Affected: yes.

Phosphorus, Inc.
Classification: Uncertain significance for Dilated cardiomyopathy 1S. Last evaluated: 2017-08-01. Review status: criteria provided, single submitter. Criteria: ACMG Guidelines, 2015. Collection method: clinical testing. Allele origin: germline. Observed: 2 variant alleles.

Phosphorus, Inc.
Classification: Uncertain significance for Hypertrophic cardiomyopathy 1. Last evaluated: 2017-08-01. Review status: criteria provided, single submitter. Criteria: ACMG Guidelines, 2015. Collection method: clinical testing. Allele origin: germline. Observed: 1 variant allele.

Phosphorus, Inc.
Classification: Uncertain significance for MYH7-related skeletal myopathy. Last evaluated: 2017-08-01. Review status: criteria provided, single submitter. Criteria: ACMG Guidelines, 2015. Collection method: clinical testing. Allele origin: germline. Observed: 1 variant allele.

Phosphorus, Inc.
Classification: Uncertain significance for Myosin storage myopathy. Last evaluated: 2017-08-01. Review status: criteria provided, single submitter. Criteria: ACMG Guidelines, 2015. Collection method: clinical testing. Allele origin: germline. Observed: 1 variant allele.

Phosphorus, Inc.
Classification: Uncertain significance for Myopathy, myosin storage, autosomal recessive. Last evaluated: 2017-08-01. Review status: criteria provided, single submitter. Criteria: ACMG Guidelines, 2015. Collection method: clinical testing. Allele origin: germline. Observed: 1 variant allele.

Eurofins Ntd Llc (ga)
Classification: Uncertain significance. Last evaluated: 2015-03-05. Review status: criteria provided, single submitter. Criteria: EGL Classification Definitions 2015. Collection method: clinical testing. Allele origin: germline. Observed: 1 variant allele, 1 heterozygote.

Genetics and Genomics Program, Sidra Medicine
Classification: Uncertain significance for Hypertrophic cardiomyopathy. Review status: criteria provided, single submitter. Criteria: ACMG Guidelines, 2015. Collection method: research. Allele origin: unknown. Affected: yes. Observed: 1 variant allele.

Literature cited by the submitters: PubMed 24111713 (cited by 7 submitters); PubMed 27532257 (cited by 6 submitters); PubMed 28807990 (cited by 6 submitters); PubMed 31931689 (cited by Women's Health and Genetics/Laboratory Corporation of America, LabCorp); PubMed 24793961 (cited by 6 submitters); PubMed 25611685 (cited by 6 submitters); PubMed 26468400 (cited by 5 submitters); PubMed 27600940 (cited by 5 submitters); PubMed 28790153 (cited by 4 submitters); PubMed 31513939 (cited by Color Diagnostics, LLC DBA Color Health); PubMed 33495597 (cited by Color Diagnostics, LLC DBA Color Health); PubMed 38489124 (cited by Color Diagnostics, LLC DBA Color Health); PubMed 24714796 (cited by Victorian Clinical Genetics Services, Murdoch Childrens Research Institute); PubMed 29300372 (cited by Victorian Clinical Genetics Services, Murdoch Childrens Research Institute); PubMed 28408708 (cited by Victorian Clinical Genetics Services, Murdoch Childrens Research Institute); PubMed 22958901 (cited by Agnes Ginges Centre for Molecular Cardiology, Centenary Institute and Phosphorus, Inc.); PubMed 27247418 (cited by Phosphorus, Inc.).